The following is an entry in ClinVar:

NM_031308.4(EPPK1):c.5430G>A (p.Lys1810=)

Gene: EPPK1 (epiplakin 1; minus strand). Cytogenetic location: 8q24.3.
Variant type: single nucleotide variant.
Coding change: c.5430G>A on transcript NM_031308.4 (MANE Select); coding-DNA position 5430, G replaced by A.
Protein change: p.Lys1810=; no amino-acid change (lysine 1810 retained).
Molecular consequence: synonymous variant.
Genome position (GRCh38, 1-based): chr8:143,867,824, C>T on the plus strand (G>A on the coding strand, the complement: EPPK1 is on the minus strand). VCF-style: chr8-143867824-C-T. GRCh37 (hg19) VCF-style: chr8-144941992-C-T.
Identifiers: ClinVar variation 3045646 (VCV003045646.2), dbSNP rs544053812, ClinGen allele CA4922139.

ClinVar aggregate classification (germline): Benign (0 of 4 stars; one submission).

Conditions:
EPPK1-related disorder. Also called: EPPK1-related condition.

Allele frequency attached by ClinVar (database versions not stated): TOPMed 0.00011; gnomAD 0.00045; gnomAD exomes 0.00084; 1000 Genomes Project 0.00160; ExAC 0.00194; 1000 Genomes Project 30x 0.00219.
gnomAD v4.1: 1,297 of 1,613,592 alleles (0.08%); highest among the groups gnomAD compares: South Asian, 1.3%; 27 homozygotes.

Submission:

PreventionGenetics, part of Exact Sciences
Classification: Benign for EPPK1-related condition. Last evaluated: 2022-07-19. Review status: no assertion criteria provided. Collection method: clinical testing. Allele origin: germline.
Comment: This variant is classified as benign based on ACMG/AMP sequence variant interpretation guidelines (Richards et al. 2015 PMID: 25741868, with internal and published modifications).